The following continues an entry in ClinVar:

NM_000257.4(MYH7):c.746G>A (p.Arg249Gln)

Gene: MYH7. ClinVar aggregate classification (germline): Pathogenic/Likely pathogenic. Pathogenic (17); Likely pathogenic (2).

Submissions 10 to 21 of 21:

GeneDx
Classification: Pathogenic. Last evaluated: 2021-11-17. Review status: criteria provided, single submitter. Criteria: GeneDx Variant Classification Process June 2021. Collection method: clinical testing. Allele origin: germline. Affected: yes.
Comment: Not observed at significant frequency in large population cohorts (Lek et al., 2016); Published functional studies demonstrate abnormal ATPase activity and decreased muscle contractibility (Roopnarine et al., 1998; Adhikari et al., 2019; Bell et al., 2019); This variant is associated with the following publications: (PMID: 24093860, 10065021, 27247418, 10521296, 25611685, 23283745, 23396983, 24805292, 30206291, 30685992, 28481356, 31980526, 24298987, 9826622, 1944483, 23233322, 11133230, 12975413, 26914223, 27532257, 7662452, 12707239, 7731997, 23054336, 22112859, 23549607, 29212898, 30767072, 30950055, 31397097, 31513939, 31213605, 31019026, 27841901, 33407484, 29300372)

Clinical Genetics Laboratory, Region Ostergotland
Classification: Pathogenic for Hypertrophic cardiomyopathy 1. Last evaluated: 2019-04-08. Review status: criteria provided, single submitter. Criteria: ACMG Guidelines, 2015. Collection method: clinical testing. Allele origin: germline. Affected: yes.
Comment: PS2, PS4, PM2, PP1, PP3, PP5

CHEO Genetics Diagnostic Laboratory, Children's Hospital of Eastern Ontario
Classification: Pathogenic for Cardiomyopathy. Last evaluated: 2019-01-09. Review status: criteria provided, single submitter. Criteria: ACMG Guidelines, 2015. Collection method: clinical testing. Allele origin: germline.

Center for Human Genetics, University of Leuven
Classification: Pathogenic for Hypertrophic cardiomyopathy. Last evaluated: 2018-10-31. Review status: criteria provided, single submitter. Criteria: ACMG Guidelines, 2015. Collection method: clinical testing. Allele origin: germline. Affected: yes.

Fulgent Genetics
Classification: Pathogenic for MYH7-related skeletal myopathy; Myosin storage myopathy; Hypertrophic cardiomyopathy 1; Myopathy, myosin storage, autosomal recessive; Congenital myopathy 4A, autosomal dominant; Dilated cardiomyopathy 1S. Last evaluated: 2018-10-31. Review status: criteria provided, single submitter. Criteria: ACMG Guidelines, 2015. Collection method: clinical testing. Allele origin: unknown.

Rady Children's Institute for Genomic Medicine, Rady Children's Hospital San Diego
Classification: Pathogenic for Cardiomyopathy. Last evaluated: 2017-12-13. Review status: criteria provided, single submitter. Criteria: ACMG Guidelines, 2015. Collection method: clinical testing. Allele origin: germline. Affected: yes. Observed: 1 variant allele.
Comment: This variant is well described in patients with hypertrophic cardiomyopathy (PMID: 1430197, 12707239, 12975413) and has been reported by multiple clinical laboratories as pathogenic in the ClinVar database (Variation ID 14088). The p.Arg249Gln variant is located in exon 9 at the active site of the beta-myosin heavy chain functional domain (PMID: 12975413). Functional studies for the p.Arg249Gln variant have shown impairment of ATPase activity and disruption of the actomyosin interaction site in rat models (PMID: 9826622). This variant is absent from population databases, thus it is presumed to be rare. Based on the combined evidence, the p.Arg249Gln variant is classified as pathogenic.

Phosphorus, Inc.
Classification: Pathogenic for Hypertrophic cardiomyopathy 1. Last evaluated: 2017-08-01. Review status: criteria provided, single submitter. Criteria: ACMG Guidelines, 2015. Collection method: clinical testing. Allele origin: germline. Observed: 1 variant allele.

Stanford Center for Inherited Cardiovascular Disease, Stanford University
Classification: Pathogenic. Last evaluated: 2014-10-08. Review status: criteria provided, single submitter. Criteria: ACMG Guidelines, 2015. Collection method: provider interpretation. Allele origin: germline.

Laboratory for Molecular Medicine, Mass General Brigham Personalized Medicine
Classification: Pathogenic for Hypertrophic cardiomyopathy. Last evaluated: 2014-07-17. Review status: criteria provided, single submitter. Criteria: LMM Criteria. Collection method: clinical testing. Allele origin: germline. Inheritance: Autosomal dominant inheritance. Observed: 10 variant alleles.
Comment: The p.Arg249Gln variant in MYH7 has been reported in >10 individuals with hypert rophic cardiomyopathy (HCM), including 2 de novo occurrences, and segregated wit h disease in >30 affected relatives from 3 families (Rosenzweig 1991, Watkins 19 92, Posen 1995, Arbustini 1998, Greber-Platzer 2001, Richard 2003, Woo 2003, Kas sem 2013). Additionally, this variant has been reported by other clinical labor atories in ClinVar (Variation ID: 14088) and was absent from large population st udies. Arginine (Arg) at position 249 is highly conserved in mammals and the ch ange to glutamine (Gln) was predicted to be pathogenic using a computational too l clinically validated by our laboratory. This tool's pathogenic prediction is e stimated to be correct 94% of the time (Jordan 2011). Moreover, this variant is located in the head domain of the MYH7 protein, where studies have shown that va riants in this region have an increased probability for causing disease (Walsh 2 017). In summary, this variant meets criteria to be classified as pathogenic for autosomal dominant HCM based upon segregation studies, de novo occurrences, and absence from controls. ACMG/AMP criteria applied: PS4, PM6_Strong, PP1_Strong, PM2, PM1, PP3.

Laboratory of Genetics and Molecular Cardiology, University of São Paulo
Classification: Likely pathogenic for Hypertrophic cardiomyopathy 1. Review status: criteria provided, single submitter. Criteria: LGCM Criteria August 2015. Collection method: clinical testing. Allele origin: germline. Inheritance: Autosomal dominant inheritance. Affected: yes. Observed: 2 variant alleles. Study: Sarcomeric Human Cardiomyopathy Registry (ShaRe).

OMIM
Classification: Pathogenic for CARDIOMYOPATHY, FAMILIAL HYPERTROPHIC, 1. Last evaluated: 1992-04-23. Review status: no assertion criteria provided. Collection method: literature only. Allele origin: germline. Not counted in ClinVar's aggregate classification.

Genomics England Pilot Project, Genomics England
Classification: Likely pathogenic for Hypertrophic cardiomyopathy 1. Review status: no assertion criteria provided. Criteria: ACGS Guidelines, 2016. Collection method: clinical testing. Allele origin: germline. Affected: yes. Not counted in ClinVar's aggregate classification.

Literature cited by the submitters: PubMed 1944483 (cited by 5 submitters); PubMed 7662452 (cited by 6 submitters); PubMed 10065021 (cited by 4 submitters); PubMed 23549607 (cited by Labcorp Genetics (formerly Invitae), Labcorp); PubMed 24691700 (cited by 3 submitters); PubMed 25351510 (cited by Labcorp Genetics (formerly Invitae), Labcorp); PubMed 27532257 (cited by 4 submitters); PubMed 27841901 (cited by Labcorp Genetics (formerly Invitae), Labcorp and Ambry Genetics); PubMed 9826622 (cited by 6 submitters); PubMed 11133230 (cited by 3 submitters); PubMed 11968089 (cited by Ambry Genetics); PubMed 12707239 (cited by 4 submitters); PubMed 12975413 (cited by 4 submitters); PubMed 1552912 (cited by 4 submitters); PubMed 22112859 (cited by Ambry Genetics); PubMed 23054336 (cited by Ambry Genetics and Phosphorus, Inc.); PubMed 23233322 (cited by 3 submitters); PubMed 23283745 (cited by Ambry Genetics and Phosphorus, Inc.); PubMed 23396983 (cited by Ambry Genetics and Phosphorus, Inc.); PubMed 24093860 (cited by Ambry Genetics and Phosphorus, Inc.); PubMed 24298987 (cited by 3 submitters); PubMed 25611685 (cited by Ambry Genetics and Phosphorus, Inc.); PubMed 25937619 (cited by Ambry Genetics); PubMed 26914223 (cited by Ambry Genetics and Laboratory for Molecular Medicine, Mass General Brigham Personalized Medicine); PubMed 27247418 (cited by 3 submitters); PubMed 28481356 (cited by Ambry Genetics); PubMed 29212898 (cited by Ambry Genetics); PubMed 7731997 (cited by 3 submitters); PubMed 9105042 (cited by Ambry Genetics); PubMed 29300372 (cited by 3billion); PubMed 9140839 (cited by Phosphorus, Inc. and Laboratory for Molecular Medicine, Mass General Brigham Personalized Medicine); PubMed 18414213 (cited by Phosphorus, Inc.).